The following is an entry in ClinVar:

ClinVar aggregate classification (germline): Uncertain significance (1 of 4 stars; one submission).

Submission:

Labcorp Genetics (formerly Invitae), Labcorp
Classification: Uncertain significance. Last evaluated: 2021-08-25. Review status: criteria provided, single submitter. Criteria: Invitae Variant Classification Sherloc (09022015). Collection method: clinical testing. Allele origin: germline.
Comment: In summary, the available evidence is currently insufficient to determine the role of this variant in disease. Therefore, it has been classified as a Variant of Uncertain Significance. Experimental studies and prediction algorithms are not available or were not evaluated, and the functional significance of this variant is currently unknown. This variant has not been reported in the literature in individuals affected with PTF1A-related conditions. The frequency data for this variant in the population databases is considered unreliable, as metrics indicate insufficient coverage at this position in the ExAC database. This sequence change creates a premature translational stop signal (p.Arg153Glyfs*127) in the PTF1A gene. While this is not anticipated to result in nonsense mediated decay, it is expected to disrupt the last 176 amino acid(s) of the PTF1A protein.

NM_178161.3(PTF1A):c.445_452dup (p.Arg153fs)

Gene: PTF1A (pancreas associated transcription factor 1a; plus strand). Cytogenetic location: 10p12.2.
Variant type: Duplication.
Coding change: c.445_452dup on transcript NM_178161.3 (MANE Select); coding-DNA positions 445 to 452, 8 bases duplicated (GCGCGGCG; older notation c.445_452dupGCGCGGCG).
Protein change: p.Arg153fs; shifts the reading frame from arginine 153.
Molecular consequence: frameshift variant.
Genome position (GRCh38, 1-based): chr10:23,192,975-23,192,982, GCGCGGCG duplicated; duplicating any 8 consecutive bases within chr10:23,192,969-23,192,982 gives the same sequence; the c. name uses the placement nearest the transcript's 3' end. VCF-style (leftmost placement, unchanged base first): chr10-23192968-T-TGCGGCGGC. GRCh37 (hg19) VCF-style: chr10-23481897-T-TGCGGCGGC.
Other names: short protein forms R153fs.
Identifiers: ClinVar variation 1377460 (VCV001377460.6), dbSNP rs1435815949, ClinGen allele CA663023051.
Genomic context (GRCh38, chr10:23,192,968, plus strand): 5'-CGCCGGGGCGGCAGTACTGTCTCCCGGGGCGCGGCTGCGCGGCCTGAGCGGAGCGGCGGC[T>TGCGGCGGC]GCGGCGGCGCGGCGCCGGCGGCGGGTGCGCTCCGAGGCGGAGCTGCAGCAGCTGCGGCAG-3'